The following is an entry in ClinVar:

ClinVar aggregate classification (germline): Uncertain significance (1 of 4 stars; one submission).

Conditions:
PCNT-related disorder. Also called: PCNT-related condition.

Allele frequency attached by ClinVar (database versions not stated): TOPMed below 0.00001; ExAC 0.00001.
gnomAD v4.1: 3 of 1,613,562 alleles (0.00019%); highest among the groups gnomAD compares: South Asian, 0.0011%; no homozygotes.

Submission:

PreventionGenetics, part of Exact Sciences
Classification: Uncertain significance for PCNT-related condition. Last evaluated: 2026-01-29. Review status: criteria provided, single submitter. Criteria: ACMG Guidelines, 2015. Collection method: clinical testing. Allele origin: germline.
Comment: The PCNT c.8911C>G variant is predicted to result in the amino acid substitution p.Gln2971Glu. To our knowledge, this variant has not been reported in the literature. This variant is reported in 0.0033% of alleles in individuals of South Asian descent in gnomAD. At this time, the clinical significance of this variant is uncertain due to the absence of conclusive functional and genetic evidence.

NM_006031.6(PCNT):c.8911C>G (p.Gln2971Glu)

Gene: PCNT (pericentrin; plus strand). Cytogenetic location: 21q22.3.
Variant type: single nucleotide variant.
Coding change: c.8911C>G on transcript NM_006031.6 (MANE Select); coding-DNA position 8911, C replaced by G.
Protein change: p.Gln2971Glu; replaces glutamine 2971 with glutamic acid.
Molecular consequence: missense variant.
Genome position (GRCh38, 1-based): chr21:46,436,063, C>G. VCF-style: chr21-46436063-C-G. GRCh37 (hg19) VCF-style: chr21-47855976-C-G.
Other names: c.8320C>G, p.Gln2774Glu (NM_001315529.2); short protein forms Q2774E, Q2971E.
Identifiers: ClinVar variation 2637329 (VCV002637329.2), dbSNP rs760410794, ClinGen allele CA10081121.
Genomic context (GRCh38, chr21:46,436,063, plus strand): 5'-CGCCTCCACCTAGGTTCTGCCCGCAGGGCTGCCGGCTCGGATGCGGACCACCTCCGGGAA[C>G]AGCAGCGAGAGCTGGAGGCGATGAGGCAGCGGCTGCTCTCTGCCGCCCGGCTTCTCACCA-3'
Protein context (NP_006022.3, residues 2961-2981): AGSDADHLRE[Gln2971Glu]QRELEAMRQR